The following is an entry in ClinVar:

ClinVar aggregate classification (germline): Likely benign. Review status: criteria provided, multiple submitters, no conflicts (2 of 4 stars). 2 submissions from 2 submitters: Likely benign (2). Last evaluated 2018-06-14.

Allele frequency attached by ClinVar (database versions not stated): 1000 Genomes Project 30x 0.00703; 1000 Genomes Project 0.00719; TOPMed 0.00893; gnomAD 0.00959 and 0.00976.
gnomAD v4.1: 1,490 of 152,360 alleles (0.98%); highest among the groups gnomAD compares: South Asian, 1.6%; 11 homozygotes.

Submissions (2):

GeneDx
Classification: Likely benign. Last evaluated: 2018-06-14. Review status: criteria provided, single submitter. Criteria: GeneDx Variant Classification (06012015). Collection method: clinical testing. Allele origin: germline. Affected: yes.
Comment: This variant is considered likely benign or benign based on one or more of the following criteria: it is a conservative change, it occurs at a poorly conserved position in the protein, it is predicted to be benign by multiple in silico algorithms, and/or has population frequency not consistent with disease.

Breakthrough Genomics
Classification: Likely benign. Review status: criteria provided, single submitter. Criteria: ACMG Guidelines, 2015. Collection method: not provided. Allele origin: germline. Inheritance: Autosomal dominant inheritance. Affected: yes.

NM_000093.5(COL5A1):c.2485-201C>T

Gene: COL5A1 (collagen type V alpha 1 chain; plus strand). Cytogenetic location: 9q34.3.
Variant type: single nucleotide variant.
Coding change: c.2485-201C>T on transcript NM_000093.5 (MANE Select); 201 bases into the intron before coding-DNA position 2485, C replaced by T.
Molecular consequence: intron variant.
Genome position (GRCh38, 1-based): chr9:134,784,788, C>T. VCF-style: chr9-134784788-C-T. GRCh37 (hg19) VCF-style: chr9-137676634-C-T.
Other names: c.2485-201C>T (NM_001278074.1).
Identifiers: ClinVar variation 674555 (VCV000674555.2), dbSNP rs138282798, ClinGen allele CA13060288.